The following is an entry in ClinVar:

ClinVar aggregate classification (germline): Benign/Likely benign. Review status: criteria provided, multiple submitters, no conflicts (2 of 4 stars). 4 submissions from 4 submitters: Benign (1); Likely benign (3). Last evaluated 2025-08-07.

Conditions:
Hereditary cancer-predisposing syndrome. Also called: Tumor predisposition; Neoplastic Syndromes, Hereditary; Hereditary Cancer Syndrome; Hereditary neoplastic syndrome. Identifiers: Orphanet 140162, MedGen C0027672, MeSH D009386, MONDO:0015356.
Familial cancer of breast. Also called: BREAST CANCER, FAMILIAL; Hereditary breast cancer; hereditary breast carcinoma. Identifiers: Orphanet 227535, MedGen C0346153, MONDO:0016419, OMIM 114480. Disease mechanism: loss of function.
Ataxia-telangiectasia syndrome (AT). Also called: ATAXIA-TELANGIECTASIA, COMPLEMENTATION GROUP A; ATAXIA-TELANGIECTASIA, FRESNO VARIANT; LOUIS-BAR SYNDROME; Ataxia telangiectasia (A-T); Cerebello-oculocutaneous telangiectasia; Immunodeficiency with ataxia telangiectasia. Identifiers: Orphanet 100, MedGen C0004135, MONDO:0008840, OMIM 208900.

gnomAD v4.1: 1 of 1,612,070 alleles (0.000062%); highest among the groups gnomAD compares: Non-Finnish European, 0.000085%; no homozygotes.

Submissions (4):

Labcorp Genetics (formerly Invitae), Labcorp
Classification: Likely benign for Ataxia-telangiectasia syndrome. Last evaluated: 2025-08-07. Review status: criteria provided, single submitter. Criteria: Invitae Variant Classification Sherloc (09022015). Collection method: clinical testing. Allele origin: germline.

Ambry Genetics
Classification: Likely benign for Hereditary cancer-predisposing syndrome. Last evaluated: 2024-08-30. Review status: criteria provided, single submitter. Criteria: Ambry Variant Classification Scheme 2023. Collection method: clinical testing. Allele origin: germline.

Myriad Genetics, Inc.
Classification: Benign for Familial cancer of breast. Last evaluated: 2024-05-14. Review status: criteria provided, single submitter. Criteria: Myriad Autosomal Dominant, Autosomal Recessive and X-Linked Classification Criteria (2023). Collection method: clinical testing. Allele origin: unknown.
Comment: This variant is considered benign. This variant is a silent/synonymous amino acid change and it is not expected to impact splicing.

Color Diagnostics, LLC DBA Color Health
Classification: Likely benign for Hereditary cancer-predisposing syndrome. Last evaluated: 2018-07-17. Review status: criteria provided, single submitter. Criteria: ACMG Guidelines, 2015. Collection method: clinical testing. Allele origin: germline.

NM_000051.4(ATM):c.3381T>C (p.Ala1127=)

Gene: ATM (ATM serine/threonine kinase; plus strand). Cytogenetic location: 11q22.3.
Variant type: single nucleotide variant.
Coding change: c.3381T>C on transcript NM_000051.4 (MANE Select); coding-DNA position 3381, T replaced by C.
Protein change: p.Ala1127=; no amino-acid change (alanine 1127 retained).
Molecular consequence: synonymous variant.
Genome position (GRCh38, 1-based): chr11:108,279,587, T>C. VCF-style: chr11-108279587-T-C. GRCh37 (hg19) VCF-style: chr11-108150314-T-C.
Other names: c.3381T>C, p.Ala1127= (NM_001351834.2).
Identifiers: ClinVar variation 628870 (VCV000628870.12), dbSNP rs1371503633, ClinGen allele CA476672749.